The following is an entry in ClinVar:

NM_001845.6(COL4A1):c.1759C>G (p.Pro587Ala)

Gene: COL4A1 (collagen type IV alpha 1 chain; minus strand). Cytogenetic location: 13q34.
Variant type: single nucleotide variant.
Coding change: c.1759C>G on transcript NM_001845.6 (MANE Select); coding-DNA position 1759, C replaced by G.
Protein change: p.Pro587Ala; replaces proline 587 with alanine.
Molecular consequence: missense variant.
Genome position (GRCh38, 1-based): chr13:110,186,523, G>C on the plus strand (C>G on the coding strand, the complement: COL4A1 is on the minus strand). VCF-style: chr13-110186523-G-C. GRCh37 (hg19) VCF-style: chr13-110838870-G-C.
Other names: c.1759C>G (NM_001845.4); short protein forms P587A.
Identifiers: ClinVar variation 2070429 (VCV002070429.6), dbSNP rs1258641245, ClinGen allele CA388722778.
Genomic context (GRCh38, chr13:110,186,523, plus strand): 5'-CTGGAGGCCCAGGGGGGCCGGTGTCACCACGACTGCCTGGGAATCCAACTCCTCCAGGGG[G>C]GCCACGCTCTCCTTTCAATCCTACAGAACCCTGATGTGAGAAGAAGAAAAAGACACCGTT-3'
Protein context (NP_001836.3, residues 577-597): GSVGLKGERG[Pro587Ala]PGGVGFPGSR

ClinVar aggregate classification (germline): Uncertain significance. Review status: criteria provided, multiple submitters, no conflicts (2 of 4 stars). 3 submissions from 3 submitters: Uncertain significance (3). Last evaluated 2025-06-22.

Conditions:
Inborn genetic diseases. Identifiers: MedGen C0950123, MeSH D030342.
Retinal arterial tortuosity. Also called: RETINAL HEMORRHAGE WITH VASCULAR TORTUOSITY; Retinal arteries, tortuosity of. Identifiers: Orphanet 75326, MedGen C0423401, MONDO:0008373, OMIM 180000, HP:0000631.
Autosomal dominant familial hematuria-retinal arteriolar tortuosity-contractures syndrome. Also called: Angiopathy, hereditary, with nephropathy, aneurysms, and muscle cramps; Hereditary Angiopathy with Nephropathy, Aneurysms, and Muscle Cramps (HANAC) Syndrome. Identifiers: Orphanet 73229, MedGen C2673195, MONDO:0012726, OMIM 611773.
Microangiopathy and leukoencephalopathy, pontine, autosomal dominant. Also called: DEMENTIA, HEREDITARY MULTI-INFARCT, SWEDISH TYPE; Pontine autosomal dominant microangiopathy with leukoencephalopathy. Identifiers: Orphanet 477749, MedGen C5231411, MONDO:0032814, OMIM 618564.
Brain small vessel disease 1 with or without ocular anomalies (BSVD1). Also called: BRAIN SMALL VESSEL DISEASE WITH HEMORRHAGE; PORENCEPHALY, TYPE 1, AUTOSOMAL DOMINANT; GOULD SYNDROME 1; Brain small vessel disease with or without ocular anomalies. Identifiers: Orphanet 2940, Orphanet 36383, Orphanet 99810, MedGen C4755307, MONDO:0008289, OMIM 175780.
Hemorrhage, intracerebral, susceptibility to (ICH). Also called: Stroke, hemorrhagic, susceptibility to. Identifiers: MedGen C3281105, MONDO:0100533, OMIM 614519.

Allele frequency attached by ClinVar (database versions not stated): gnomAD exomes below 0.00001; gnomAD 0.00001; TOPMed 0.00002.
gnomAD v4.1: 2 of 1,613,834 alleles (0.00012%); highest among the groups gnomAD compares: Admixed American, 0.0033%; no homozygotes.

Submissions (3):

Labcorp Genetics (formerly Invitae), Labcorp
Classification: Uncertain significance. Last evaluated: 2025-06-22. Review status: criteria provided, single submitter. Criteria: Invitae Variant Classification Sherloc (09022015). Collection method: clinical testing. Allele origin: germline.
Comment: This sequence change replaces proline, which is neutral and non-polar, with alanine, which is neutral and non-polar, at codon 587 of the COL4A1 protein (p.Pro587Ala). This variant is not present in population databases (gnomAD no frequency). This variant has not been reported in the literature in individuals affected with COL4A1-related conditions. ClinVar contains an entry for this variant (Variation ID: 2070429). Invitae Evidence Modeling of protein sequence and biophysical properties (such as structural, functional, and spatial information, amino acid conservation, physicochemical variation, residue mobility, and thermodynamic stability) indicates that this missense variant is not expected to disrupt COL4A1 protein function with a negative predictive value of 95%. In summary, the available evidence is currently insufficient to determine the role of this variant in disease. Therefore, it has been classified as a Variant of Uncertain Significance.

Ambry Genetics
Classification: Uncertain significance for Inborn genetic diseases. Last evaluated: 2025-04-13. Review status: criteria provided, single submitter. Criteria: Ambry Variant Classification Scheme 2023. Collection method: clinical testing. Allele origin: germline.

Fulgent Genetics
Classification: Uncertain significance for Brain small vessel disease 1 with or without ocular anomalies; Retinal arterial tortuosity; Autosomal dominant familial hematuria-retinal arteriolar tortuosity-contractures syndrome; Hemorrhage, intracerebral, susceptibility to; Microangiopathy and leukoencephalopathy, pontine, autosomal dominant. Last evaluated: 2024-04-30. Review status: criteria provided, single submitter. Criteria: ACMG Guidelines, 2015. Collection method: clinical testing. Allele origin: germline.